The following is an entry in ClinVar:

NM_000179.3(MSH6):c.3128A>T (p.Asn1043Ile)

Gene: MSH6 (mutS homolog 6; plus strand). Cytogenetic location: 2p16.3.
Variant type: single nucleotide variant.
Coding change: c.3128A>T on transcript NM_000179.3 (MANE Select); coding-DNA position 3128, A replaced by T.
Protein change: p.Asn1043Ile; replaces asparagine 1043 with isoleucine.
Molecular consequence: missense variant.
Genome position (GRCh38, 1-based): chr2:47,801,111, A>T. VCF-style: chr2-47801111-A-T. GRCh37 (hg19) VCF-style: chr2-48028250-A-T.
Other names: c.2738A>T, p.Asn913Ile (NM_001281492.2); c.2222A>T, p.Asn741Ile (NM_001281493.2, NM_001281494.2); short protein forms N1043I, N913I, N741I.
Identifiers: ClinVar variation 578238 (VCV000578238.13), dbSNP rs1558668226, ClinGen allele CA346756658.

ClinVar aggregate classification (germline): Uncertain significance. Review status: criteria provided, multiple submitters, no conflicts (2 of 4 stars). 2 submissions from 2 submitters: Uncertain significance (2). Last evaluated 2023-09-22.

Conditions:
Hereditary cancer-predisposing syndrome. Also called: Tumor predisposition; Hereditary neoplastic syndrome; Hereditary Cancer Syndrome; Neoplastic Syndromes, Hereditary. Identifiers: Orphanet 140162, MedGen C0027672, MeSH D009386, MONDO:0015356.
Hereditary nonpolyposis colorectal neoplasms. Identifiers: MedGen C0009405, MeSH D003123.

Submissions (2):

Ambry Genetics
Classification: Uncertain significance for Hereditary cancer-predisposing syndrome. Last evaluated: 2023-09-22. Review status: criteria provided, single submitter. Criteria: Ambry Variant Classification Scheme 2023. Collection method: clinical testing. Allele origin: germline.
Comment: The p.N1043I variant (also known as c.3128A>T), located in coding exon 4 of the MSH6 gene, results from an A to T substitution at nucleotide position 3128. The asparagine at codon 1043 is replaced by isoleucine, an amino acid with dissimilar properties. This amino acid position is highly conserved in available vertebrate species. In addition, this alteration is predicted to be deleterious by in silico analysis. Since supporting evidence is limited at this time, the clinical significance of this alteration remains unclear.

Labcorp Genetics (formerly Invitae), Labcorp
Classification: Uncertain significance for Hereditary nonpolyposis colorectal neoplasms. Last evaluated: 2019-05-15. Review status: criteria provided, single submitter. Criteria: Invitae Variant Classification Sherloc (09022015). Collection method: clinical testing. Allele origin: germline.
Comment: Algorithms developed to predict the effect of missense changes on protein structure and function do not agree on the potential impact of this missense change (SIFT: "Deleterious"; PolyPhen-2: "Probably Damaging"; Align-GVGD: "Class C0"). This variant has not been reported in the literature in individuals with MSH6-related disease. This variant is not present in population databases (ExAC no frequency). This sequence change replaces asparagine with isoleucine at codon 1043 of the MSH6 protein (p.Asn1043Ile). The asparagine residue is moderately conserved and there is a large physicochemical difference between asparagine and isoleucine. In summary, the available evidence is currently insufficient to determine the role of this variant in disease. Therefore, it has been classified as a Variant of Uncertain Significance.